The following is an entry in ClinVar:

NM_007055.4(POLR3A):c.3787G>A (p.Ala1263Thr)

Gene: POLR3A (RNA polymerase III subunit A; minus strand). Cytogenetic location: 10q22.3.
Variant type: single nucleotide variant.
Coding change: c.3787G>A on transcript NM_007055.4 (MANE Select); coding-DNA position 3787, G replaced by A.
Protein change: p.Ala1263Thr; replaces alanine 1263 with threonine.
Molecular consequence: missense variant.
Genome position (GRCh38, 1-based): chr10:77,981,532, C>T on the plus strand (G>A on the coding strand, the complement: POLR3A is on the minus strand). VCF-style: chr10-77981532-C-T. GRCh37 (hg19) VCF-style: chr10-79741290-C-T.
Other names: short protein forms A1263T.
Identifiers: ClinVar variation 878320 (VCV000878320.8), dbSNP rs560414667, ClinGen allele CA5570695.

ClinVar aggregate classification (germline): Uncertain significance. Review status: criteria provided, multiple submitters, no conflicts (2 of 4 stars). 2 submissions from 2 submitters: Uncertain significance (2). Last evaluated 2021-09-21.

Conditions:
Leukodystrophy, hypomyelinating, 7, with or without oligodontia and/or hypogonadotropic hypogonadism (HLD7). Also called: LEUKOENCEPHALOPATHY, HYPOMYELINATING, WITH ATAXIA AND DELAYED DENTITION; ATAXIA, DELAYED DENTITION, AND HYPOMYELINATION; LEUKODYSTROPHY, HYPOMYELINATING, 7, WITH OLIGODONTIA; LEUKODYSTROPHY, HYPOMYELINATING, 7, WITH OLIGODONTIA AND HYPOGONADOTROPIC HYPOGONADISM; LEUKODYSTROPHY, HYPOMYELINATING, 7, WITHOUT OLIGODONTIA OR HYPOGONADOTROPIC HYPOGONADISM; Ataxia, Delayed Dentition and Hypomyelination (ADDH). Identifiers: Orphanet 137639, Orphanet 447893, Orphanet 447896, Orphanet 77295, Orphanet 88637, MedGen CN034185, MONDO:0011897, OMIM 607694.

Allele frequency attached by ClinVar (database versions not stated): gnomAD 0.00001; TOPMed 0.00001; ExAC 0.00003; 1000 Genomes Project 30x 0.00016; 1000 Genomes Project 0.00020.
gnomAD v4.1: 19 of 1,614,010 alleles (0.0012%); highest among the groups gnomAD compares: East Asian, 0.013%; no homozygotes.

Submissions (2):

Labcorp Genetics (formerly Invitae), Labcorp
Classification: Uncertain significance. Last evaluated: 2021-09-21. Review status: criteria provided, single submitter. Criteria: Invitae Variant Classification Sherloc (09022015). Collection method: clinical testing. Allele origin: germline.
Comment: This sequence change replaces alanine with threonine at codon 1263 of the POLR3A protein (p.Ala1263Thr). The alanine residue is highly conserved and there is a small physicochemical difference between alanine and threonine. This variant is present in population databases (rs560414667, ExAC 0.01%). This variant has not been reported in the literature in individuals affected with POLR3A-related conditions. ClinVar contains an entry for this variant (Variation ID: 878320). Algorithms developed to predict the effect of missense changes on protein structure and function are either unavailable or do not agree on the potential impact of this missense change (SIFT: "Deleterious"; PolyPhen-2: "Probably Damaging"; Align-GVGD: "Class C0"). In summary, the available evidence is currently insufficient to determine the role of this variant in disease. Therefore, it has been classified as a Variant of Uncertain Significance.

Illumina Laboratory Services, Illumina
Classification: Uncertain significance for Leukodystrophy, hypomyelinating, 7, with or without oligodontia and/or hypogonadotropic hypogonadism. Last evaluated: 2018-01-13. Review status: criteria provided, single submitter. Criteria: ICSL Variant Classification Criteria 13 December 2019. Collection method: clinical testing. Allele origin: germline.